The following is an entry in ClinVar:

ClinVar aggregate classification (germline): Uncertain significance. Review status: criteria provided, multiple submitters, no conflicts (2 of 4 stars). 2 submissions from 2 submitters: Uncertain significance (2). Last evaluated 2025-11-13.

Conditions:
Inborn genetic diseases. Identifiers: MedGen C0950123, MeSH D030342.
Evans syndrome, immunodeficiency, and premature immunosenescence associated with tripeptidyl-peptidase II deficiency. Identifiers: MedGen CN231723. Disease mechanism: loss of function.

Allele frequency attached by ClinVar (database versions not stated): gnomAD 0.00001; TOPMed 0.00001; gnomAD exomes below 0.00001.
gnomAD v4.1: 4 of 1,608,542 alleles (0.00025%); highest among the groups gnomAD compares: Non-Finnish European, 0.00034%; no homozygotes.

Submissions (2):

Ambry Genetics
Classification: Uncertain significance for Inborn genetic diseases. Last evaluated: 2025-11-13. Review status: criteria provided, single submitter. Criteria: Ambry Variant Classification Scheme 2023. Collection method: clinical testing. Allele origin: germline.

Labcorp Genetics (formerly Invitae), Labcorp
Classification: Uncertain significance for Evans syndrome, immunodeficiency, and premature immunosenescence associated with tripeptidyl-peptidase II deficiency. Last evaluated: 2022-07-24. Review status: criteria provided, single submitter. Criteria: Invitae Variant Classification Sherloc (09022015). Collection method: clinical testing. Allele origin: germline.
Comment: This sequence change replaces valine, which is neutral and non-polar, with isoleucine, which is neutral and non-polar, at codon 56 of the TPP2 protein (p.Val56Ile). This variant is present in population databases (no rsID available, gnomAD 0.007%). This variant has not been reported in the literature in individuals affected with TPP2-related conditions. ClinVar contains an entry for this variant (Variation ID: 1061958). Algorithms developed to predict the effect of missense changes on protein structure and function output the following: SIFT: "Tolerated"; PolyPhen-2: "Benign"; Align-GVGD: "Class C0". The isoleucine amino acid residue is found in multiple mammalian species, which suggests that this missense change does not adversely affect protein function. In summary, the available evidence is currently insufficient to determine the role of this variant in disease. Therefore, it has been classified as a Variant of Uncertain Significance.

NM_001330588.2(TPP2):c.166G>A (p.Val56Ile)

Gene: TPP2 (tripeptidyl peptidase 2; plus strand). Cytogenetic location: 13q33.1.
Variant type: single nucleotide variant.
Coding change: c.166G>A on transcript NM_001330588.2 (MANE Select); coding-DNA position 166, G replaced by A.
Protein change: p.Val56Ile; replaces valine 56 with isoleucine.
Molecular consequence: missense variant. On other transcripts: non-coding transcript variant (1).
Genome position (GRCh38, 1-based): chr13:102,604,793, G>A. VCF-style: chr13-102604793-G-A. GRCh37 (hg19) VCF-style: chr13-103257143-G-A.
Other names: c.166G>A (NM_003291.2); c.166G>A, p.Val56Ile (NM_001367947.1, NM_003291.4); short protein forms V56I.
Identifiers: ClinVar variation 1061958 (VCV001061958.8), dbSNP rs1334374452, ClinGen allele CA388677077.